The following is an entry in ClinVar:

ClinVar aggregate classification (germline): Uncertain significance. Review status: criteria provided, multiple submitters, no conflicts (2 of 4 stars). 2 submissions from 2 submitters: Uncertain significance (2). Last evaluated 2025-06-09.

Conditions:
Familial thoracic aortic aneurysm and aortic dissection (TAAD). Also called: Thoracic aortic aneurysms and dissections. Identifiers: Orphanet 91387, MedGen C4707243, MONDO:0019625.

gnomAD v4.1: 1 of 1,607,196 alleles (0.000062%); highest among the groups gnomAD compares: Non-Finnish European, 0.000085%; no homozygotes.

Submissions (2):

Color Diagnostics, LLC DBA Color Health
Classification: Uncertain significance for Familial thoracic aortic aneurysm and aortic dissection. Last evaluated: 2025-06-09. Review status: criteria provided, single submitter. Criteria: ACMG Guidelines, 2015. Collection method: clinical testing. Allele origin: germline.
Comment: This missense variant replaces proline with serine at codon 962 of the COL3A1 protein. Computational prediction suggests that this variant may not impact protein structure and function. To our knowledge, functional studies have not been reported for this variant. This variant has not been reported in individuals affected with COL3A1-related disorders in the literature. This variant has not been identified in the general population by the Genome Aggregation Database (gnomAD). The available evidence is insufficient to determine the role of this variant in disease conclusively. Therefore, this variant is classified as a Variant of Uncertain Significance.

Mayo Clinic Laboratories, Mayo Clinic
Classification: Uncertain significance. Last evaluated: 2025-03-19. Review status: criteria provided, single submitter. Criteria: ACMG Guidelines, 2015. Collection method: clinical testing. Allele origin: germline. Observed: 1 variant allele.
Comment: PP2, PM2_supporting

NM_000090.4(COL3A1):c.2884C>T (p.Pro962Ser)

Gene: COL3A1 (collagen type III alpha 1 chain; plus strand). Cytogenetic location: 2q32.2.
Variant type: single nucleotide variant.
Coding change: c.2884C>T on transcript NM_000090.4 (MANE Select); coding-DNA position 2884, C replaced by T.
Protein change: p.Pro962Ser; replaces proline 962 with serine.
Molecular consequence: missense variant.
Genome position (GRCh38, 1-based): chr2:189,004,317, C>T. VCF-style: chr2-189004317-C-T. GRCh37 (hg19) VCF-style: chr2-189869043-C-T.
Other names: p.Pro962Ser; short protein forms P962S.
Identifiers: ClinVar variation 4540781 (VCV004540781.2).